The following is an entry in ClinVar:

NM_001035.3(RYR2):c.13696G>C (p.Gly4566Arg)

Gene: RYR2 (ryanodine receptor 2; plus strand). Cytogenetic location: 1q43.
Variant type: single nucleotide variant.
Coding change: c.13696G>C on transcript NM_001035.3 (MANE Select); coding-DNA position 13696, G replaced by C.
Protein change: p.Gly4566Arg; replaces glycine 4566 with arginine.
Molecular consequence: missense variant.
Genome position (GRCh38, 1-based): chr1:237,792,237, G>C. VCF-style: chr1-237792237-G-C. GRCh37 (hg19) VCF-style: chr1-237955537-G-C.
Other names: short protein forms G4566R.
Identifiers: ClinVar variation 4751224 (VCV004751224.1).

ClinVar aggregate classification (germline): Uncertain significance (1 of 4 stars; one submission).

Conditions:
Catecholaminergic polymorphic ventricular tachycardia 1. Also called: VENTRICULAR TACHYCARDIA, CATECHOLAMINERGIC POLYMORPHIC, 1, WITH OR WITHOUT ATRIAL DYSFUNCTION AND/OR DILATED CARDIOMYOPATHY; RYR2-Related Catecholaminergic Polymorphic Ventricular Tachycardia; VENTRICULAR TACHYCARDIA, STRESS-INDUCED POLYMORPHIC 1. Identifiers: Orphanet 3286, MedGen C1631597, MONDO:0011484, OMIM 604772.

Submission:

Labcorp Genetics (formerly Invitae), Labcorp
Classification: Uncertain significance for Catecholaminergic polymorphic ventricular tachycardia 1. Last evaluated: 2025-02-08. Review status: criteria provided, single submitter. Criteria: Invitae Variant Classification Sherloc (09022015). Collection method: clinical testing. Allele origin: germline.
Comment: This sequence change replaces glycine, which is neutral and non-polar, with arginine, which is basic and polar, at codon 4566 of the RYR2 protein (p.Gly4566Arg). This variant is not present in population databases (gnomAD no frequency). This variant has not been reported in the literature in individuals affected with RYR2-related conditions. Invitae Evidence Modeling of protein sequence and biophysical properties (such as structural, functional, and spatial information, amino acid conservation, physicochemical variation, residue mobility, and thermodynamic stability) has been performed for this missense variant. However, the output from this modeling did not meet the statistical confidence thresholds required to predict the impact of this variant on RYR2 protein function. In summary, the available evidence is currently insufficient to determine the role of this variant in disease. Therefore, it has been classified as a Variant of Uncertain Significance.